The following is an entry in ClinVar:

NM_000238.4(KCNH2):c.2651_2653dup (p.Gln884_Arg885insGln)

Gene: KCNH2 (potassium voltage-gated channel subfamily H member 2; minus strand). Cytogenetic location: 7q36.1.
Variant type: Duplication.
Coding change: c.2651_2653dup on transcript NM_000238.4 (MANE Select); coding-DNA positions 2651 to 2653, 3 bases duplicated (AAC; older notation c.2651_2653dupAAC).
Protein change: p.Gln884_Arg885insGln.
Molecular consequence: non-coding transcript variant (on NR_176254.1).
Genome position (GRCh38, 1-based): chr7:150,948,483-150,948,485, GTT duplicated on the plus strand (AAC on the coding strand, the reverse complement: KCNH2 is on the minus strand); duplicating any 3 consecutive bases within chr7:150,948,483-150,948,486 gives the same sequence; the c. name uses the placement nearest the transcript's 3' end. VCF-style (leftmost placement, unchanged base first): chr7-150948482-C-CGTT. GRCh37 (hg19) VCF-style: chr7-150645570-C-CGTT.
Other names: c.2363_2365dup, p.Gln788_Arg789insGln (NM_001406753.1); c.1631_1633dup, p.Gln544_Arg545insGln (NM_172057.3); c.2651_2653dupAAC (NM_000238.4).
Identifiers: ClinVar variation 3768067 (VCV003768067.1).

ClinVar aggregate classification (germline): Uncertain significance (1 of 4 stars; one submission).

Submission:

Women's Health and Genetics/Laboratory Corporation of America, LabCorp
Classification: Uncertain significance. Last evaluated: 2024-12-13. Review status: criteria provided, single submitter. Criteria: LabCorp Variant Classification Summary - May 2015. Collection method: clinical testing. Allele origin: germline.
Comment: Variant summary: KCNH2 c.2651_2653dupAAC (p.Gln884dup) results in an in-frame duplication that is predicted to duplicate one amino acids into the encoded protein. The variant was absent in 249432 control chromosomes. The available data on variant occurrences in the general population are insufficient to allow any conclusion about variant significance. To our knowledge, no occurrence of c.2651_2653dupAAC in individuals affected with Arrhythmia and no experimental evidence demonstrating its impact on protein function have been reported. No submitters have cited clinical-significance assessments for this variant to ClinVar. Based on the evidence outlined above, the variant was classified as uncertain significance.